The following is an entry in ClinVar:

NM_000542.5(SFTPB):c.583-1G>T

Gene: SFTPB (surfactant protein B; minus strand). Cytogenetic location: 2p11.2.
Variant type: single nucleotide variant.
Coding change: c.583-1G>T on transcript NM_000542.5 (MANE Select); the canonical splice acceptor site of the intron before coding-DNA position 583, G replaced by T.
Molecular consequence: splice acceptor variant.
Genome position (GRCh38, 1-based): chr2:85,665,379, C>A on the plus strand (G>T on the coding strand, the complement: SFTPB is on the minus strand). VCF-style: chr2-85665379-C-A. GRCh37 (hg19) VCF-style: chr2-85892502-C-A.
Other names: c.583-1G>T (NM_198843.3, NM_001367281.1).
Identifiers: ClinVar variation 2629885 (VCV002629885.1), dbSNP rs2466683864, ClinGen allele CA347489934.

ClinVar aggregate classification (germline): Likely pathogenic (1 of 4 stars; one submission).

Conditions:
SFTPB-related disorder. Also called: SFTPB-related condition.

Submission:

PreventionGenetics, part of Exact Sciences
Classification: Likely pathogenic for SFTPB-related condition. Last evaluated: 2023-01-05. Review status: criteria provided, single submitter. Criteria: ACMG Guidelines, 2015. Collection method: clinical testing. Allele origin: germline.
Comment: The SFTPB c.619-1G>T variant is predicted to disrupt the AG splice acceptor site and interfere with normal splicing. To our knowledge, this variant has not been reported in the literature or in a large population database, indicating this variant is rare. Variants that disrupt the consensus splice acceptor site in SFTPB are expected to be pathogenic. This variant is interpreted as likely pathogenic.